The following is an entry in ClinVar:

ClinVar aggregate classification (germline): Benign/Likely benign. Review status: criteria provided, multiple submitters, no conflicts (2 of 4 stars). 5 submissions from 5 submitters: Benign (1); Likely benign (4). Last evaluated 2025-12-16.

Conditions:
Breast-ovarian cancer, familial, susceptibility to, 4. Identifiers: Orphanet 145, MedGen C3280345, MONDO:0013669, OMIM 614291.
Hereditary cancer-predisposing syndrome. Also called: Tumor predisposition; Neoplastic Syndromes, Hereditary; Hereditary neoplastic syndrome; Hereditary Cancer Syndrome. Identifiers: Orphanet 140162, MedGen C0027672, MeSH D009386, MONDO:0015356.

Allele frequency attached by ClinVar (database versions not stated): TOPMed below 0.00001; gnomAD exomes 0.00001.
gnomAD v4.1: 19 of 1,614,166 alleles (0.0012%); highest among the groups gnomAD compares: Non-Finnish European, 0.0016%; no homozygotes.

Submissions (5):

Labcorp Genetics (formerly Invitae), Labcorp
Classification: Likely benign for Breast-ovarian cancer, familial, susceptibility to, 4. Last evaluated: 2025-12-16. Review status: criteria provided, single submitter. Criteria: Invitae Variant Classification Sherloc (09022015). Collection method: clinical testing. Allele origin: germline.

Myriad Genetics, Inc.
Classification: Benign for Breast-ovarian cancer, familial, susceptibility to, 4. Last evaluated: 2025-02-24. Review status: criteria provided, single submitter. Criteria: Myriad Autosomal Dominant, Autosomal Recessive and X-Linked Classification Criteria (2023). Collection method: clinical testing. Allele origin: unknown.
Comment: This variant is considered benign. This variant is a silent/synonymous amino acid change and it is not expected to impact splicing.

Women's Health and Genetics/Laboratory Corporation of America, LabCorp
Classification: Likely benign. Last evaluated: 2023-08-24. Review status: criteria provided, single submitter. Criteria: LabCorp Variant Classification Summary - May 2015. Collection method: clinical testing. Allele origin: germline.

Color Diagnostics, LLC DBA Color Health
Classification: Likely benign for Hereditary cancer-predisposing syndrome. Last evaluated: 2019-07-01. Review status: criteria provided, single submitter. Criteria: ACMG Guidelines, 2015. Collection method: clinical testing. Allele origin: germline.

Ambry Genetics
Classification: Likely benign for Hereditary cancer-predisposing syndrome. Last evaluated: 2016-06-16. Review status: criteria provided, single submitter. Criteria: Ambry Variant Classification Scheme 2023. Collection method: clinical testing. Allele origin: germline.

NM_002878.4(RAD51D):c.840C>T (p.Thr280=)

Genes: RAD51D (RAD51 paralog D; minus strand), RAD51L3-RFFL (RAD51L3-RFFL readthrough; minus strand). Cytogenetic location: 17q12.
Variant type: single nucleotide variant.
Coding change: c.840C>T on transcript NM_002878.4 (MANE Select); coding-DNA position 840, C replaced by T.
Protein change: p.Thr280=; no amino-acid change (threonine 280 retained).
Molecular consequence: synonymous variant. On other transcripts: non-coding transcript variant (3).
Genome position (GRCh38, 1-based): chr17:35,101,264, G>A on the plus strand (C>T on the coding strand, the complement: RAD51D is on the minus strand). VCF-style: chr17-35101264-G-A. GRCh37 (hg19) VCF-style: chr17-33428283-G-A.
Other names: c.900C>T, p.Thr300= (NM_001142571.2); c.504C>T, p.Thr168= (NM_133629.3).
Identifiers: ClinVar variation 416196 (VCV000416196.18), dbSNP rs751885496, ClinGen allele CA16615304.